The following is an entry in ClinVar:

ClinVar aggregate classification (germline): Pathogenic/Likely pathogenic. Review status: criteria provided, multiple submitters, no conflicts (2 of 4 stars). 4 submissions from 4 submitters: Pathogenic (2); Likely pathogenic (2). Last evaluated 2024-11-18.

Conditions:
SOX10-related disorder. Also called: SOX10-related condition.
Inborn genetic diseases. Identifiers: MedGen C0950123, MeSH D030342.
Waardenburg syndrome type 2E (WS2E). Also called: WAARDENBURG SYNDROME, TYPE 2E, WITH OR WITHOUT NEUROLOGIC INVOLVEMENT; WS2E, WITH OR WITHOUT NEUROLOGIC INVOLVEMENT; HYPOGONADOTROPIC HYPOGONADISM WITH ANOSMIA AND DEAFNESS, WITH OR WITHOUT HYPOPIGMENTATION. Identifiers: Orphanet 3440, MedGen C2700405, MONDO:0012698, OMIM 611584.

Submissions (4):

GeneDx
Classification: Pathogenic. Last evaluated: 2024-11-18. Review status: criteria provided, single submitter. Criteria: GeneDx Variant Classification Process June 2021. Collection method: clinical testing. Allele origin: germline.
Comment: Not observed at significant frequency in large population cohorts (gnomAD); In silico analysis supports that this missense variant has a deleterious effect on protein structure/function; This variant is associated with the following publications: (PMID: 29565416, 34142234)

Greenwood Genetic Center Diagnostic Laboratories, Greenwood Genetic Center
Classification: Likely pathogenic for SOX10-related disorder. Last evaluated: 2022-08-06. Review status: criteria provided, single submitter. Criteria: ACMG Guidelines, 2015. Collection method: clinical testing. Allele origin: germline. Affected: yes.
Comment: PS4_Moderate, PM2, PM5, PM6, PP3

Genetic Testing Center for Deafness, Department of Otolaryngology Head & Neck Surgery, Institute of Otolaryngology, Chinese PLA General Hospital
Classification: Pathogenic for Waardenburg syndrome type 2E. Last evaluated: 2019-01-01. Review status: criteria provided, single submitter. Criteria: ACMG Guidelines, 2015. Collection method: clinical testing. Allele origin: de novo. Affected: yes.

Ambry Genetics
Classification: Likely pathogenic for Inborn genetic diseases. Last evaluated: 2016-09-01. Review status: criteria provided, single submitter. Criteria: Ambry exome assertion method (8-5-2015). Collection method: clinical testing. Allele origin: germline. Affected: yes. Observed: 1 variant allele.

NM_006941.4(SOX10):c.523C>T (p.Pro175Ser)

Genes: POLR2F (RNA polymerase II, I and III subunit F; plus strand), SOX10 (SRY-box transcription factor 10; minus strand). Cytogenetic location: 22q13.1.
Variant type: single nucleotide variant.
Coding change: c.523C>T on transcript NM_006941.4 (MANE Select); coding-DNA position 523, C replaced by T.
Protein change: p.Pro175Ser; replaces proline 175 with serine.
Molecular consequence: missense variant. On other transcripts: intron variant (3).
Genome position (GRCh38, 1-based): chr22:37,978,041, G>A on the plus strand (C>T on the coding strand, the complement: SOX10 is on the minus strand). VCF-style: chr22-37978041-G-A. GRCh37 (hg19) VCF-style: chr22-38374048-G-A.
Other names: c.*38+5731G>A (NM_001363825.1); c.294-8113G>A (NM_001301130.2); c.293+10871G>A (NM_001301131.2); short protein forms P175S.
Identifiers: ClinVar variation 521356 (VCV000521356.12), dbSNP rs1555938395, ClinGen allele CA411497800.